The following is an entry in ClinVar:

NM_032217.5(ANKRD17):c.4898G>T (p.Arg1633Leu)

Gene: ANKRD17 (ankyrin repeat domain 17; minus strand). Cytogenetic location: 4q13.3.
Variant type: single nucleotide variant.
Coding change: c.4898G>T on transcript NM_032217.5 (MANE Select); coding-DNA position 4898, G replaced by T.
Protein change: p.Arg1633Leu; replaces arginine 1633 with leucine.
Molecular consequence: missense variant.
Genome position (GRCh38, 1-based): chr4:73,098,196, C>A on the plus strand (G>T on the coding strand, the complement: ANKRD17 is on the minus strand). VCF-style: chr4-73098196-C-A. GRCh37 (hg19) VCF-style: chr4-73963913-C-A.
Other names: c.4559G>T, p.Arg1520Leu (NM_001286771.3); c.4895G>T, p.Arg1632Leu (NM_015574.2); c.4145G>T, p.Arg1382Leu (NM_198889.3); short protein forms R1382L, R1632L, R1520L, R1633L.
Identifiers: ClinVar variation 4578479 (VCV004578479.2).

ClinVar aggregate classification (germline): Conflicting classifications of pathogenicity. Review status: criteria provided, conflicting classifications (1 of 4 stars). 2 submissions from 2 submitters: Uncertain significance (1); Likely benign (1). Last evaluated 2026-08-01.

Conditions:
Inborn genetic diseases. Identifiers: MedGen C0950123, MeSH D030342.

gnomAD v4.1: 1 of 1,614,072 alleles (0.000062%); highest among the groups gnomAD compares: Admixed American, 0.0017%; no homozygotes.

Submissions (2):

CeGaT Center for Human Genetics Tuebingen
Classification: Likely benign. Last evaluated: 2026-08-01. Review status: criteria provided, single submitter. Criteria: CeGaT Center For Human Genetics Tuebingen Variant Classification Criteria Version 2. Collection method: clinical testing. Allele origin: germline. Affected: yes. Observed: 1 variant allele.
Comment: ANKRD17: BP4

Ambry Genetics
Classification: Uncertain significance for Inborn genetic diseases. Last evaluated: 2025-10-18. Review status: criteria provided, single submitter. Criteria: Ambry Variant Classification Scheme 2023. Collection method: clinical testing. Allele origin: germline.